The following is an entry in ClinVar:

NM_006757.4(TNNT3):c.592G>C (p.Asp198His)

Gene: TNNT3 (troponin T3, fast skeletal type; plus strand). Cytogenetic location: 11p15.5.
Variant type: single nucleotide variant.
Coding change: c.592G>C on transcript NM_006757.4 (MANE Select); coding-DNA position 592, G replaced by C.
Protein change: p.Asp198His; replaces aspartic acid 198 with histidine.
Molecular consequence: missense variant.
Genome position (GRCh38, 1-based): chr11:1,934,830, G>C. VCF-style: chr11-1934830-G-C. GRCh37 (hg19) VCF-style: chr11-1956060-G-C.
Other names: c.568G>C, p.Asp190His (NM_001042782.3, NM_001297646.2, NM_001367844.1 and 2 more transcripts); c.601G>C, p.Asp201His (NM_001363561.2, NM_001367847.1); c.586G>C, p.Asp196His (NM_001367842.1, NM_001367843.1, NM_001042781.3); c.625G>C, p.Asp209His (NM_001367846.1); c.589G>C, p.Asp197His (NM_001367848.1); c.580G>C, p.Asp194His (NM_001367849.1); c.535G>C, p.Asp179His (NM_001367850.1); c.388G>C, p.Asp130His (NM_001367851.1, NM_001367852.1); short protein forms D190H, D196H, D130H, D194H, D201H, D209H, D179H, D197H.
Identifiers: ClinVar variation 1395865 (VCV001395865.6), dbSNP rs2133477045, ClinGen allele CA379098805.

ClinVar aggregate classification (germline): Uncertain significance (1 of 4 stars; one submission).

Submission:

Labcorp Genetics (formerly Invitae), Labcorp
Classification: Uncertain significance. Last evaluated: 2022-11-08. Review status: criteria provided, single submitter. Criteria: Invitae Variant Classification Sherloc (09022015). Collection method: clinical testing. Allele origin: germline.
Comment: This sequence change replaces aspartic acid, which is acidic and polar, with histidine, which is basic and polar, at codon 198 of the TNNT3 protein (p.Asp198His). In summary, the available evidence is currently insufficient to determine the role of this variant in disease. Therefore, it has been classified as a Variant of Uncertain Significance. Algorithms developed to predict the effect of missense changes on protein structure and function are either unavailable or do not agree on the potential impact of this missense change (SIFT: "Deleterious"; PolyPhen-2: "Probably Damaging"; Align-GVGD: "Class C0"). ClinVar contains an entry for this variant (Variation ID: 1395865). This variant has not been reported in the literature in individuals affected with TNNT3-related conditions. This variant is not present in population databases (gnomAD no frequency).